The following is an entry in ClinVar:

ClinVar aggregate classification (germline): Uncertain significance (1 of 4 stars; one submission).

Conditions:
Tuberous sclerosis 2 (TSC2). Identifiers: Orphanet 805, MedGen C1860707, MONDO:0013199, OMIM 613254.

Submission:

Labcorp Genetics (formerly Invitae), Labcorp
Classification: Uncertain significance for Tuberous sclerosis 2. Last evaluated: 2025-07-27. Review status: criteria provided, single submitter. Criteria: Invitae Variant Classification Sherloc (09022015). Collection method: clinical testing. Allele origin: germline.
Comment: This sequence change replaces histidine, which is basic and polar, with arginine, which is basic and polar, at codon 1288 of the TSC2 protein (p.His1288Arg). This variant is not present in population databases (gnomAD no frequency). This variant has not been reported in the literature in individuals affected with TSC2-related conditions. Invitae Evidence Modeling of protein sequence and biophysical properties (such as structural, functional, and spatial information, amino acid conservation, physicochemical variation, residue mobility, and thermodynamic stability) indicates that this missense variant is not expected to disrupt TSC2 protein function with a negative predictive value of 95%. In summary, the available evidence is currently insufficient to determine the role of this variant in disease. Therefore, it has been classified as a Variant of Uncertain Significance.

NM_000548.5(TSC2):c.3863A>G (p.His1288Arg)

Gene: TSC2 (TSC complex subunit 2; plus strand). Cytogenetic location: 16p13.3.
Variant type: single nucleotide variant.
Coding change: c.3863A>G on transcript NM_000548.5 (MANE Select); coding-DNA position 3863, A replaced by G.
Protein change: p.His1288Arg; replaces histidine 1288 with arginine.
Molecular consequence: missense variant. On other transcripts: non-coding transcript variant (1), intron variant (33).
Genome position (GRCh38, 1-based): chr16:2,082,484, A>G. VCF-style: chr16-2082484-A-G. GRCh37 (hg19) VCF-style: chr16-2132485-A-G.
Other names: c.3131A>G, p.His1044Arg (NM_001318831.2); c.3731A>G, p.His1244Arg (NM_001370404.1, NM_001406665.1); c.3734A>G, p.His1245Arg (NM_001370405.1, NM_021055.3); c.3860A>G, p.His1287Arg (NM_001406663.1); c.3263A>G, p.His1088Arg (NM_001406680.1); c.2390A>G, p.His797Arg (NM_001406690.1); c.2387A>G, p.His796Arg (NM_001406691.1); c.2341+686A>G (NM_001406693.1, NM_001406692.1, NM_001406694.1); and 25 more; short protein forms H1044R, H1088R, H1244R, H1245R, H1287R, H1288R, H796R, H797R.
Identifiers: ClinVar variation 4802877 (VCV004802877.1).
Genomic context (GRCh38, chr16:2,082,484, plus strand): 5'-CTTCCCTTGCAGTGGCCTCTTTCTCCTCCCTGTACCAGTCCAGCTGCCAAGGACAGCTGC[A>G]CAGGAGCGTTTCCTGGGCAGGTATCGCCTCTCAGAGGGAAGCGGTTGGCTGCAGAGCGCC-3'
Protein context (NP_000539.2, residues 1278-1298): LYQSSCQGQL[His1288Arg]RSVSWADSAV